The following is an entry in ClinVar:

ClinVar aggregate classification (germline): Uncertain significance (1 of 4 stars; one submission).

Conditions:
Encephalopathy, acute, infection-induced (herpes-specific), susceptibility to, 1. Also called: Herpes simplex encephalitis, susceptibility to, 1. Identifiers: Orphanet 1930, MedGen C2750180, MONDO:0024563, OMIM 610551.

Submission:

Labcorp Genetics (formerly Invitae), Labcorp
Classification: Uncertain significance for Encephalopathy, acute, infection-induced (herpes-specific), susceptibility to, 1. Last evaluated: 2024-10-21. Review status: criteria provided, single submitter. Criteria: Invitae Variant Classification Sherloc (09022015). Collection method: clinical testing. Allele origin: germline.
Comment: This sequence change replaces valine, which is neutral and non-polar, with aspartic acid, which is acidic and polar, at codon 770 of the TLR3 protein (p.Val770Asp). This variant is not present in population databases (gnomAD no frequency). This variant has not been reported in the literature in individuals affected with TLR3-related conditions. An algorithm developed to predict the effect of missense changes on protein structure and function (PolyPhen-2) suggests that this variant is likely to be disruptive. In summary, the available evidence is currently insufficient to determine the role of this variant in disease. Therefore, it has been classified as a Variant of Uncertain Significance.

NM_003265.3(TLR3):c.2309T>A (p.Val770Asp)

Gene: TLR3 (toll like receptor 3; plus strand). Cytogenetic location: 4q35.1.
Variant type: single nucleotide variant.
Coding change: c.2309T>A on transcript NM_003265.3 (MANE Select); coding-DNA position 2309, T replaced by A.
Protein change: p.Val770Asp; replaces valine 770 with aspartic acid.
Molecular consequence: missense variant.
Genome position (GRCh38, 1-based): chr4:186,083,995, T>A. VCF-style: chr4-186083995-T-A. GRCh37 (hg19) VCF-style: chr4-187005149-T-A.
Other names: short protein forms V770D.
Identifiers: ClinVar variation 3669422 (VCV003669422.2).